The following is an entry in ClinVar:

NM_006231.4(POLE):c.3817C>T (p.Arg1273Trp)

Gene: POLE (DNA polymerase epsilon, catalytic subunit; minus strand). Cytogenetic location: 12q24.33.
Variant type: single nucleotide variant.
Coding change: c.3817C>T on transcript NM_006231.4 (MANE Select); coding-DNA position 3817, C replaced by T.
Protein change: p.Arg1273Trp; replaces arginine 1273 with tryptophan.
Molecular consequence: missense variant.
Genome position (GRCh38, 1-based): chr12:132,649,494, G>A on the plus strand (C>T on the coding strand, the complement: POLE is on the minus strand). VCF-style: chr12-132649494-G-A. GRCh37 (hg19) VCF-style: chr12-133226080-G-A.
Other names: short protein forms R1273W.
Identifiers: ClinVar variation 540722 (VCV000540722.14), dbSNP rs758784435, ClinGen allele CA6893081.

ClinVar aggregate classification (germline): Uncertain significance. Review status: criteria provided, multiple submitters, no conflicts (2 of 4 stars). 3 submissions from 3 submitters: Uncertain significance (3). Last evaluated 2026-01-04.

Conditions:
Hereditary cancer-predisposing syndrome. Also called: Neoplastic Syndromes, Hereditary; Hereditary Cancer Syndrome; Hereditary neoplastic syndrome; Tumor predisposition. Identifiers: Orphanet 140162, MedGen C0027672, MeSH D009386, MONDO:0015356.

Allele frequency attached by ClinVar (database versions not stated): ExAC 0.00001; gnomAD 0.00001 and 0.00002; gnomAD exomes 0.00001; TOPMed 0.00003.
gnomAD v4.1: 10 of 1,612,220 alleles (0.00062%); highest among the groups gnomAD compares: South Asian, 0.0033%; no homozygotes.

Submissions (3):

Labcorp Genetics (formerly Invitae), Labcorp
Classification: Uncertain significance. Last evaluated: 2026-01-04. Review status: criteria provided, single submitter. Criteria: Invitae Variant Classification Sherloc (09022015). Collection method: clinical testing. Allele origin: germline.
Comment: This sequence change replaces arginine, which is basic and polar, with tryptophan, which is neutral and slightly polar, at codon 1273 of the POLE protein (p.Arg1273Trp). This variant is present in population databases (rs758784435, gnomAD 0.008%). This variant has not been reported in the literature in individuals affected with POLE-related conditions. ClinVar contains an entry for this variant (Variation ID: 540722). Invitae Evidence Modeling of protein sequence and biophysical properties (such as structural, functional, and spatial information, amino acid conservation, physicochemical variation, residue mobility, and thermodynamic stability) indicates that this missense variant is not expected to disrupt POLE protein function with a negative predictive value of 80%. In summary, the available evidence is currently insufficient to determine the role of this variant in disease. Therefore, it has been classified as a Variant of Uncertain Significance.

Ambry Genetics
Classification: Uncertain significance for Hereditary cancer-predisposing syndrome. Last evaluated: 2024-04-29. Review status: criteria provided, single submitter. Criteria: Ambry Variant Classification Scheme 2023. Collection method: clinical testing. Allele origin: germline.
Comment: The p.R1273W variant (also known as c.3817C>T), located in coding exon 31 of the POLE gene, results from a C to T substitution at nucleotide position 3817. The arginine at codon 1273 is replaced by tryptophan, an amino acid with dissimilar properties. This amino acid position is conserved. In addition, this alteration is predicted to be tolerated by in silico analysis. Since supporting evidence is limited at this time, the clinical significance of this alteration remains unclear.

GeneDx
Classification: Uncertain significance. Last evaluated: 2021-12-22. Review status: criteria provided, single submitter. Criteria: GeneDx Variant Classification Process June 2021. Collection method: clinical testing. Allele origin: germline. Affected: yes.
Comment: Not observed at significant frequency in large population cohorts (Lek 2016); In silico analysis supports that this missense variant has a deleterious effect on protein structure/function; Has not been previously published as pathogenic or benign to our knowledge